The following is an entry in ClinVar:

ClinVar aggregate classification (germline): Uncertain significance (1 of 4 stars; one submission).

Conditions:
Joubert syndrome. Also called: Familial aplasia of the vermis; CEREBELLOPARENCHYMAL DISORDER IV; JOUBERT-BOLTSHAUSER SYNDROME. Identifiers: Orphanet 475, MedGen C5979921, MONDO:0018772.

gnomAD v4.1: 12 of 1,535,000 alleles (0.00078%); highest among the groups gnomAD compares: East Asian, 0.0024%; no homozygotes.

Submission:

Labcorp Genetics (formerly Invitae), Labcorp
Classification: Uncertain significance for Joubert syndrome. Last evaluated: 2021-09-18. Review status: criteria provided, single submitter. Criteria: Invitae Variant Classification Sherloc (09022015). Collection method: clinical testing. Allele origin: germline.
Comment: This sequence change replaces isoleucine with valine at codon 41 of the TMEM216 protein (p.Ile41Val). The isoleucine residue is weakly conserved and there is a small physicochemical difference between isoleucine and valine. The frequency data for this variant in the population databases is considered unreliable, as metrics indicate insufficient coverage at this position in the ExAC database. This variant has not been reported in the literature in individuals affected with TMEM216-related conditions. Algorithms developed to predict the effect of missense changes on protein structure and function output the following: SIFT: "Deleterious"; PolyPhen-2: "Benign"; Align-GVGD: "Class C0". The valine amino acid residue is found in multiple mammalian species, which suggests that this missense change does not adversely affect protein function. In summary, the available evidence is currently insufficient to determine the role of this variant in disease. Therefore, it has been classified as a Variant of Uncertain Significance.

NM_001173990.3(TMEM216):c.121A>G (p.Ile41Val)

Gene: TMEM216 (transmembrane protein 216; plus strand). Cytogenetic location: 11q12.2.
Variant type: single nucleotide variant.
Coding change: c.121A>G on transcript NM_001173990.3 (MANE Select); coding-DNA position 121, A replaced by G.
Protein change: p.Ile41Val; replaces isoleucine 41 with valine.
Molecular consequence: missense variant. On other transcripts: 5 prime UTR variant (2).
Genome position (GRCh38, 1-based): chr11:61,393,317, A>G. VCF-style: chr11-61393317-A-G. GRCh37 (hg19) VCF-style: chr11-61160789-A-G.
Other names: c.121A>G, p.Ile41Val (NM_001173991.3); c.-63A>G (NM_001330285.2, NM_016499.6); short protein forms I41V.
Identifiers: ClinVar variation 1042412 (VCV001042412.2), dbSNP rs1858721272, ClinGen allele CA380684719.